The following is an entry in ClinVar:

NM_016169.4(SUFU):c.683+4A>G

Gene: SUFU (SUFU negative regulator of hedgehog signaling; plus strand). Cytogenetic location: 10q24.32.
Variant type: single nucleotide variant.
Coding change: c.683+4A>G on transcript NM_016169.4 (MANE Select); 4 bases into the intron after coding-DNA position 683, A replaced by G.
Molecular consequence: intron variant.
Genome position (GRCh38, 1-based): chr10:102,593,725, A>G. VCF-style: chr10-102593725-A-G. GRCh37 (hg19) VCF-style: chr10-104353482-A-G.
Other names: c.683+4A>G (NM_001178133.2).
Identifiers: ClinVar variation 4882475 (VCV004882475.2).

ClinVar aggregate classification (germline): Uncertain significance (1 of 4 stars; one submission).

Submission:

Dasa
Classification: Uncertain significance. Last evaluated: 2025-03-19. Review status: criteria provided, single submitter. Criteria: DASA Assertion Criteria. Collection method: clinical testing. Allele origin: germline.
Comment: NM_016169.4(SUFU):c.683+4A>G is a splice-region variant predicted to affect normal RNA splicing. This variant is absent from population databases. Computational prediction algorithms are consistent with a deleterious effect. The currently available literature and clinical evidence are not sufficient to establish a definitive association between this variant and the reported condition. Therefore, this variant is classified as a variant of uncertain significance.